The following is an entry in ClinVar:

ClinVar aggregate classification (germline): Uncertain significance (1 of 4 stars; one submission).

Submission:

Labcorp Genetics (formerly Invitae), Labcorp
Classification: Uncertain significance. Last evaluated: 2022-09-01. Review status: criteria provided, single submitter. Criteria: Invitae Variant Classification Sherloc (09022015). Collection method: clinical testing. Allele origin: germline.
Comment: This sequence change replaces histidine, which is basic and polar, with tyrosine, which is neutral and polar, at codon 3327 of the ADGRV1 protein (p.His3327Tyr). In summary, the available evidence is currently insufficient to determine the role of this variant in disease. Therefore, it has been classified as a Variant of Uncertain Significance. Algorithms developed to predict the effect of missense changes on protein structure and function (SIFT, PolyPhen-2, Align-GVGD) all suggest that this variant is likely to be tolerated. ClinVar contains an entry for this variant (Variation ID: 1355964). This variant has not been reported in the literature in individuals affected with ADGRV1-related conditions. This variant is not present in population databases (gnomAD no frequency).

NM_032119.4(ADGRV1):c.9979C>T (p.His3327Tyr)

Gene: ADGRV1 (adhesion G protein-coupled receptor V1; plus strand). Cytogenetic location: 5q14.3.
Variant type: single nucleotide variant.
Coding change: c.9979C>T on transcript NM_032119.4 (MANE Select); coding-DNA position 9979, C replaced by T.
Protein change: p.His3327Tyr; replaces histidine 3327 with tyrosine.
Molecular consequence: missense variant. On other transcripts: non-coding transcript variant (1).
Genome position (GRCh38, 1-based): chr5:90,725,158, C>T. VCF-style: chr5-90725158-C-T. GRCh37 (hg19) VCF-style: chr5-90020975-C-T.
Other names: short protein forms H3327Y.
Identifiers: ClinVar variation 1355964 (VCV001355964.8), dbSNP rs2149795872, ClinGen allele CA360402963.